The following is an entry in ClinVar:

NM_004700.4(KCNQ4):c.1422C>T (p.Thr474=)

Gene: KCNQ4 (potassium voltage-gated channel subfamily Q member 4; plus strand). Cytogenetic location: 1p34.2.
Variant type: single nucleotide variant.
Coding change: c.1422C>T on transcript NM_004700.4 (MANE Select); coding-DNA position 1422, C replaced by T.
Protein change: p.Thr474=; no amino-acid change (threonine 474 retained).
Molecular consequence: synonymous variant.
Genome position (GRCh38, 1-based): chr1:40,831,213, C>T. VCF-style: chr1-40831213-C-T. GRCh37 (hg19) VCF-style: chr1-41296885-C-T.
Other names: c.1260C>T, p.Thr420= (NM_172163.3).
Identifiers: ClinVar variation 3046054 (VCV003046054.4), dbSNP rs148913636, ClinGen allele CA794881.

ClinVar aggregate classification (germline): Conflicting classifications of pathogenicity. Review status: criteria provided, conflicting classifications (1 of 4 stars). 3 submissions from 3 submitters: Uncertain significance (1); Likely benign (1). 1 of the submissions does not count toward it. Last evaluated 2025-10-16.

Conditions:
KCNQ4-related disorder. Also called: KCNQ4-related condition.

Allele frequency attached by ClinVar (database versions not stated): gnomAD 0.00002; TOPMed 0.00003; ExAC 0.00005; gnomAD exomes 0.00005; ESP Exome Variant Server 0.00008; 1000 Genomes Project 30x 0.00016; 1000 Genomes Project 0.00020.
gnomAD v4.1: 68 of 1,609,634 alleles (0.0042%); highest among the groups gnomAD compares: Non-Finnish European, 0.0056%; no homozygotes.

Submissions (3):

Labcorp Genetics (formerly Invitae), Labcorp
Classification: Likely benign. Last evaluated: 2025-10-16. Review status: criteria provided, single submitter. Criteria: Invitae Variant Classification Sherloc (09022015). Collection method: clinical testing. Allele origin: germline.

GeneDx
Classification: Uncertain significance. Last evaluated: 2024-03-19. Review status: criteria provided, single submitter. Criteria: GeneDx Variant Classification Process June 2021. Collection method: clinical testing. Allele origin: germline. Affected: yes.
Comment: In silico analysis supports that this variant does not alter splicing; Has not been previously published as pathogenic or benign to our knowledge

PreventionGenetics, part of Exact Sciences
Classification: Likely benign for KCNQ4-related condition. Last evaluated: 2019-10-28. Review status: no assertion criteria provided. Collection method: clinical testing. Allele origin: germline. Not counted in ClinVar's aggregate classification.
Comment: This variant is classified as likely benign based on ACMG/AMP sequence variant interpretation guidelines (Richards et al. 2015 PMID: 25741868, with internal and published modifications).